The following is an entry in ClinVar:

NM_032444.4(SLX4):c.1129C>T (p.Gln377Ter)

Gene: SLX4 (SLX4 structure-specific endonuclease subunit; minus strand). Cytogenetic location: 16p13.3.
Variant type: single nucleotide variant.
Coding change: c.1129C>T on transcript NM_032444.4 (MANE Select); coding-DNA position 1129, C replaced by T.
Protein change: p.Gln377Ter; replaces glutamine 377 with a stop codon.
Molecular consequence: nonsense.
Genome position (GRCh38, 1-based): chr16:3,601,013, G>A on the plus strand (C>T on the coding strand, the complement: SLX4 is on the minus strand). VCF-style: chr16-3601013-G-A. GRCh37 (hg19) VCF-style: chr16-3651014-G-A.
Other names: short protein forms Q377*.
Identifiers: ClinVar variation 2918868 (VCV002918868.4), dbSNP rs1171341642, ClinGen allele CA394531382.
Genomic context (GRCh38, chr16:3,601,013, plus strand): 5'-GGTTTTCTTCCTTTTCGTCGACTTACCTGAACATGGGTGGGCTGCTGCTACCCTCAGGCT[G>A]TGCTGTCTGCAGCCGCACAGCCTGAAGCAGGAGCTGGGGGCCAACCTCCATCTTCACAGC-3'

ClinVar aggregate classification (germline): Pathogenic/Likely pathogenic. Review status: criteria provided, multiple submitters, no conflicts (2 of 4 stars). 2 submissions from 2 submitters: Pathogenic (1); Likely pathogenic (1). Last evaluated 2025-09-30.

Conditions:
Fanconi anemia (FA). Also called: Fanconi's anemia. Identifiers: Orphanet 84, MedGen C0015625, MeSH D005199, MONDO:0019391.
Fanconi anemia complementation group P. Also called: SLX4-Related Fanconi Anemia. Identifiers: Orphanet 84, MedGen C3469542, MONDO:0013499, OMIM 613951.

Allele frequency attached by ClinVar (database versions not stated): gnomAD exomes below 0.00001.
gnomAD v4.1: 5 of 1,613,828 alleles (0.00031%); highest among the groups gnomAD compares: Admixed American, 0.0067%; no homozygotes.

Submissions (2):

Variantyx, Inc.
Classification: Likely pathogenic for Fanconi anemia complementation group P. Last evaluated: 2025-09-30. Review status: criteria provided, single submitter. Criteria: Variantyx Assertion Criteria 2022. Collection method: clinical testing. Allele origin: germline. Inheritance: Autosomal recessive inheritance. Affected: no.
Comment: This is a nonsense variant in the SLX4 gene (OMIM: 613278). Pathogenic variants in this gene have been associated with autosomal recessive Fanconi anemia, complementation group P. This variant introduces a premature termination codon in exon 5 out of 15 and is expected to result in loss of function, which is a known disease mechanism for SLX4 in this disorder (PMID: 21240277) (PVS1). This variant has a 0.0089% maximum allele frequency in non-founder control populations (PM2). Based on the current evidence, this variant is classified as likely pathogenic for autosomal recessive Fanconi anemia, complementation group P.

Labcorp Genetics (formerly Invitae), Labcorp
Classification: Pathogenic for Fanconi anemia. Last evaluated: 2023-05-18. Review status: criteria provided, single submitter. Criteria: Invitae Variant Classification Sherloc (09022015). Collection method: clinical testing. Allele origin: germline.
Comment: This sequence change creates a premature translational stop signal (p.Gln377*) in the SLX4 gene. It is expected to result in an absent or disrupted protein product. Loss-of-function variants in SLX4 are known to be pathogenic (PMID: 21240277). This variant is present in population databases (no rsID available, gnomAD 0.01%). This variant has not been reported in the literature in individuals affected with SLX4-related conditions. For these reasons, this variant has been classified as Pathogenic.

Literature cited by the submitters: PubMed 21240277 (cited by Variantyx, Inc. and Labcorp Genetics (formerly Invitae), Labcorp).